The following is an entry in ClinVar:

ClinVar aggregate classification (germline): Uncertain significance (1 of 4 stars; one submission).

Submission:

Labcorp Genetics (formerly Invitae), Labcorp
Classification: Uncertain significance. Last evaluated: 2024-11-04. Review status: criteria provided, single submitter. Criteria: Invitae Variant Classification Sherloc (09022015). Collection method: clinical testing. Allele origin: germline.
Comment: This sequence change replaces serine, which is neutral and polar, with threonine, which is neutral and polar, at codon 69 of the SLC25A4 protein (p.Ser69Thr). This variant is not present in population databases (gnomAD no frequency). This variant has not been reported in the literature in individuals affected with SLC25A4-related conditions. ClinVar contains an entry for this variant (Variation ID: 2727483). Invitae Evidence Modeling of protein sequence and biophysical properties (such as structural, functional, and spatial information, amino acid conservation, physicochemical variation, residue mobility, and thermodynamic stability) indicates that this missense variant is not expected to disrupt SLC25A4 protein function with a negative predictive value of 80%. In summary, the available evidence is currently insufficient to determine the role of this variant in disease. Therefore, it has been classified as a Variant of Uncertain Significance.

NM_001151.4(SLC25A4):c.205T>A (p.Ser69Thr)

Gene: SLC25A4 (solute carrier family 25 member 4; plus strand). Cytogenetic location: 4q35.1.
Variant type: single nucleotide variant.
Coding change: c.205T>A on transcript NM_001151.4 (MANE Select); coding-DNA position 205, T replaced by A.
Protein change: p.Ser69Thr; replaces serine 69 with threonine.
Molecular consequence: missense variant.
Genome position (GRCh38, 1-based): chr4:185,144,857, T>A. VCF-style: chr4-185144857-T-A. GRCh37 (hg19) VCF-style: chr4-186066011-T-A.
Other names: short protein forms S69T.
Identifiers: ClinVar variation 2727483 (VCV002727483.3), dbSNP rs2477168621, ClinGen allele CA358896114.